The following is an entry in ClinVar:

ClinVar aggregate classification (germline): Uncertain significance. Review status: criteria provided, multiple submitters, no conflicts (2 of 4 stars). 2 submissions from 2 submitters: Uncertain significance (2). Last evaluated 2024-02-16.

Conditions:
Cardiovascular phenotype. Identifiers: MedGen CN230736.
Ehlers-Danlos syndrome, musculocontractural type (EDSMC). Also called: ARTHROGRYPOSIS, DISTAL, WITH PECULIAR FACIES AND HYDRONEPHROSIS; ADDUCTED THUMB-CLUBFOOT SYNDROME; Adducted thumb, clubfoot, progressive joint and skin laxity syndrome; DUNDAR SYNDROME. Identifiers: Orphanet 2953, MedGen C1866294, MONDO:0011142.

Allele frequency attached by ClinVar (database versions not stated): TOPMed below 0.00001; gnomAD 0.00002; gnomAD exomes 0.00002.

Submissions (2):

Ambry Genetics
Classification: Uncertain significance for Cardiovascular phenotype. Last evaluated: 2024-02-16. Review status: criteria provided, single submitter. Criteria: Ambry Variant Classification Scheme 2023. Collection method: clinical testing. Allele origin: germline.
Comment: The p.M46I variant (also known as c.138G>C), located in coding exon 1 of the CHST14 gene, results from a G to C substitution at nucleotide position 138. The methionine at codon 46 is replaced by isoleucine, an amino acid with highly similar properties. This amino acid position is conserved. In addition, this alteration is predicted to be tolerated by in silico analysis. Based on the available evidence, the clinical significance of this alteration remains unclear.

Labcorp Genetics (formerly Invitae), Labcorp
Classification: Uncertain significance for Ehlers-Danlos syndrome, musculocontractural type. Last evaluated: 2021-09-01. Review status: criteria provided, single submitter. Criteria: Invitae Variant Classification Sherloc (09022015). Collection method: clinical testing. Allele origin: germline.
Comment: This sequence change replaces methionine with isoleucine at codon 46 of the CHST14 protein (p.Met46Ile). The methionine residue is moderately conserved and there is a small physicochemical difference between methionine and isoleucine. The frequency data for this variant in the population databases is considered unreliable, as metrics indicate insufficient coverage at this position in the ExAC database. This variant has not been reported in the literature in individuals affected with CHST14-related conditions. Algorithms developed to predict the effect of missense changes on protein structure and function (SIFT, PolyPhen-2, Align-GVGD) all suggest that this variant is likely to be tolerated. In summary, the available evidence is currently insufficient to determine the role of this variant in disease. Therefore, it has been classified as a Variant of Uncertain Significance.

NM_130468.4(CHST14):c.138G>C (p.Met46Ile)

Genes: CHST14 (carbohydrate sulfotransferase 14; plus strand), LOC130056851 (ATAC-STARR-seq lymphoblastoid silent region 6336; plus strand). Cytogenetic location: 15q15.1.
Variant type: single nucleotide variant.
Coding change: c.138G>C on transcript NM_130468.4 (MANE Select); coding-DNA position 138, G replaced by C.
Protein change: p.Met46Ile; replaces methionine 46 with isoleucine.
Molecular consequence: missense variant.
Genome position (GRCh38, 1-based): chr15:40,471,351, G>C. VCF-style: chr15-40471351-G-C. GRCh37 (hg19) VCF-style: chr15-40763550-G-C.
Other names: short protein forms M46I.
Identifiers: ClinVar variation 970651 (VCV000970651.8), dbSNP rs1466102278, ClinGen allele CA391763820.